The following is an entry in ClinVar:

ClinVar aggregate classification (germline): Uncertain significance (1 of 4 stars; one submission).

Allele frequency attached by ClinVar (database versions not stated): gnomAD exomes below 0.00001; gnomAD 0.00001.
gnomAD v4.1: 3 of 1,613,008 alleles (0.00019%); highest among the groups gnomAD compares: Non-Finnish European, 0.00025%; no homozygotes.

Submission:

Labcorp Genetics (formerly Invitae), Labcorp
Classification: Uncertain significance. Last evaluated: 2022-09-15. Review status: criteria provided, single submitter. Criteria: Invitae Variant Classification Sherloc (09022015). Collection method: clinical testing. Allele origin: germline.
Comment: In summary, the available evidence is currently insufficient to determine the role of this variant in disease. Therefore, it has been classified as a Variant of Uncertain Significance. Algorithms developed to predict the effect of missense changes on protein structure and function output the following: SIFT: "Deleterious"; PolyPhen-2: "Possibly Damaging"; Align-GVGD: "Class C0". The aspartic acid amino acid residue is found in multiple mammalian species, which suggests that this missense change does not adversely affect protein function. This sequence change replaces glycine, which is neutral and non-polar, with aspartic acid, which is acidic and polar, at codon 608 of the ALPK3 protein (p.Gly608Asp). This variant is present in population databases (no rsID available, gnomAD 0.007%). This variant has not been reported in the literature in individuals affected with ALPK3-related conditions.

NM_020778.5(ALPK3):c.1217G>A (p.Gly406Asp)

Gene: ALPK3 (alpha kinase 3; plus strand). Cytogenetic location: 15q25.3.
Variant type: single nucleotide variant.
Coding change: c.1217G>A on transcript NM_020778.5 (MANE Select); coding-DNA position 1217, G replaced by A.
Protein change: p.Gly406Asp; replaces glycine 406 with aspartic acid.
Molecular consequence: missense variant.
Genome position (GRCh38, 1-based): chr15:84,840,496, G>A. VCF-style: chr15-84840496-G-A. GRCh37 (hg19) VCF-style: chr15-85383727-G-A.
Other names: short protein forms G406D.
Identifiers: ClinVar variation 1974481 (VCV001974481.5), dbSNP rs1208810447, ClinGen allele CA393374853.